The following is an entry in ClinVar:

NM_000059.4(BRCA2):c.6027A>G (p.Gln2009=)

Gene: BRCA2 (BRCA2 DNA repair associated; plus strand). Cytogenetic location: 13q13.1.
Variant type: single nucleotide variant.
Coding change: c.6027A>G on transcript NM_000059.4 (MANE Select); coding-DNA position 6027, A replaced by G.
Protein change: p.Gln2009=; no amino-acid change (glutamine 2009 retained).
Molecular consequence: synonymous variant.
Genome position (GRCh38, 1-based): chr13:32,340,382, A>G. VCF-style: chr13-32340382-A-G. GRCh37 (hg19) VCF-style: chr13-32914519-A-G.
Identifiers: ClinVar variation 427374 (VCV000427374.15), dbSNP rs1131692109, ClinGen allele CA483438981.

ClinVar aggregate classification (germline): Likely benign. Review status: reviewed by expert panel (3 of 4 stars). 3 submissions from 3 submitters: Likely benign (1). 2 of the submissions do not count toward it. Last evaluated 2017-06-29.

Conditions:
Hereditary cancer-predisposing syndrome. Also called: Hereditary neoplastic syndrome; Hereditary Cancer Syndrome; Neoplastic Syndromes, Hereditary; Tumor predisposition. Identifiers: Orphanet 140162, MedGen C0027672, MeSH D009386, MONDO:0015356.
Breast-ovarian cancer, familial, susceptibility to, 2 (BROVCA2). Also called: BRCA2 Hereditary Breast and Ovarian Cancer. Identifiers: Orphanet 145, MedGen C2675520, MONDO:0012933, OMIM 612555. Disease mechanism: loss of function.
Hereditary breast ovarian cancer syndrome. Also called: Hereditary breast and ovarian cancer syndrome; BRCA1- and BRCA2-Associated Hereditary Breast and Ovarian Cancer; Hereditary breast and/or ovarian cancer syndrome; Hereditary breast and ovarian cancer; Breast and ovarian cancer; Hereditary breast and ovarian cancer syndrome (HBOC). Identifiers: Orphanet 145, MedGen C0677776, MeSH D061325, MONDO:0003582. Disease mechanism: loss of function.

Allele frequency attached by ClinVar (database versions not stated): gnomAD exomes below 0.00001.
gnomAD v4.1: 5 of 1,613,908 alleles (0.00031%); highest among the groups gnomAD compares: Non-Finnish European, 0.00042%; no homozygotes.

Submissions (3):

Evidence-based Network for the Interpretation of Germline Mutant Alleles (ENIGMA)
Classification: Likely benign for Breast-ovarian cancer, familial, susceptibility to, 2. Last evaluated: 2017-06-29. Review status: reviewed by expert panel. Criteria: ENIGMA BRCA1/2 Classification Criteria (2017-06-29). Collection method: curation. Allele origin: germline.
Comment: Synonymous substitution variant, with low bioinformatic likelihood to result in a splicing aberration (Splicing prior probability 0.02).

Labcorp Genetics (formerly Invitae), Labcorp
Classification: Likely benign for Hereditary breast ovarian cancer syndrome. Last evaluated: 2025-03-31. Review status: criteria provided, single submitter. Criteria: Invitae Variant Classification Sherloc (09022015). Collection method: clinical testing. Allele origin: germline. Not counted in ClinVar's aggregate classification.

Ambry Genetics
Classification: Likely benign for Hereditary cancer-predisposing syndrome. Last evaluated: 2019-02-06. Review status: criteria provided, single submitter. Criteria: Ambry Variant Classification Scheme 2023. Collection method: clinical testing. Allele origin: germline. Not counted in ClinVar's aggregate classification.